The following is an entry in ClinVar:

ClinVar aggregate classification (germline): Uncertain significance. Review status: criteria provided, multiple submitters, no conflicts (2 of 4 stars). 3 submissions from 3 submitters: Uncertain significance (3). Last evaluated 2025-03-30.

Conditions:
Spinocerebellar ataxia, autosomal recessive, with axonal neuropathy 2 (SCAN2). Also called: ATAXIA-OCULOMOTOR APRAXIA 2; Ataxia with Oculomotor Apraxia Type 2; Ataxia-ocular apraxia-2; Ataxia with Oculomotor Apraxia. Identifiers: Orphanet 64753, MedGen C1853761, MONDO:0018996, OMIM 606002.
Amyotrophic lateral sclerosis type 4 (ALS4). Also called: AMYOTROPHIC LATERAL SCLEROSIS 4, JUVENILE; NEURONOPATHY, DISTAL HEREDITARY MOTOR, WITH PYRAMIDAL FEATURES. Identifiers: Orphanet 357043, MedGen C1865409, MONDO:0011223, OMIM 602433.
SETX-related disorder. Also called: SETX-related condition; SETX-related disorders. Identifiers: MedGen CN239403.

Allele frequency attached by ClinVar (database versions not stated): gnomAD exomes below 0.00001; ExAC 0.00001.
gnomAD v4.1: 1 of 1,614,096 alleles (0.000062%); highest among the groups gnomAD compares: Non-Finnish European, 0.000085%; no homozygotes.

Submissions (3):

PreventionGenetics, part of Exact Sciences
Classification: Uncertain significance for SETX-related condition. Last evaluated: 2025-03-30. Review status: criteria provided, single submitter. Criteria: ACMG Guidelines, 2015. Collection method: clinical testing. Allele origin: germline.
Comment: The SETX c.6683C>T variant is predicted to result in the amino acid substitution p.Ser2228Leu. To our knowledge, this variant has not been reported in the literature. This variant is reported in 0.00088% of alleles in individuals of European (Non-Finnish) descent in gnomAD. At this time, the clinical significance of this variant is uncertain due to the absence of conclusive functional and genetic evidence.

Labcorp Genetics (formerly Invitae), Labcorp
Classification: Uncertain significance for Amyotrophic lateral sclerosis type 4; Spinocerebellar ataxia, autosomal recessive, with axonal neuropathy 2. Last evaluated: 2023-09-25. Review status: criteria provided, single submitter. Criteria: Invitae Variant Classification Sherloc (09022015). Collection method: clinical testing. Allele origin: germline.
Comment: In summary, the available evidence is currently insufficient to determine the role of this variant in disease. Therefore, it has been classified as a Variant of Uncertain Significance. Advanced modeling of protein sequence and biophysical properties (such as structural, functional, and spatial information, amino acid conservation, physicochemical variation, residue mobility, and thermodynamic stability) performed at Invitae indicates that this missense variant is expected to disrupt SETX protein function. ClinVar contains an entry for this variant (Variation ID: 805428). This variant has not been reported in the literature in individuals affected with SETX-related conditions. This variant is present in population databases (rs764541704, gnomAD 0.0009%). This sequence change replaces serine, which is neutral and polar, with leucine, which is neutral and non-polar, at codon 2228 of the SETX protein (p.Ser2228Leu).

Athena Diagnostics
Classification: Uncertain significance. Last evaluated: 2020-11-02. Review status: criteria provided, single submitter. Criteria: Athena Diagnostics criteria. Collection method: clinical testing. Allele origin: unknown.

NM_015046.7(SETX):c.6683C>T (p.Ser2228Leu)

Gene: SETX (senataxin; minus strand). Cytogenetic location: 9q34.13.
Variant type: single nucleotide variant.
Coding change: c.6683C>T on transcript NM_015046.7 (MANE Select); coding-DNA position 6683, C replaced by T.
Protein change: p.Ser2228Leu; replaces serine 2228 with leucine.
Molecular consequence: missense variant.
Genome position (GRCh38, 1-based): chr9:132,278,229, G>A on the plus strand (C>T on the coding strand, the complement: SETX is on the minus strand). VCF-style: chr9-132278229-G-A. GRCh37 (hg19) VCF-style: chr9-135153616-G-A.
Other names: c.6683C>T, p.Ser2228Leu (NM_001351527.2, NM_001351528.2); short protein forms S2228L.
Identifiers: ClinVar variation 805428 (VCV000805428.6), dbSNP rs764541704, ClinGen allele CA5296639.